The following is an entry in ClinVar:

GRCh38/hg38 8p23.1-21.3(chr8:12787272-20952389)x3

Genes: ASAH1 (N-acylsphingosine amidohydrolase 1; minus strand), ASAH1-AS1 (ASAH1 antisense RNA 1; plus strand), ATP6V1B2 (ATPase H+ transporting V1 subunit B2; plus strand), C8orf48 (chromosome 8 open reading frame 48; plus strand), CNOT7 (CCR4-NOT transcription complex subunit 7; minus strand) and 139 more. Cytogenetic location: 8p23.1-21.3.
Variant type: copy number gain.
Change: copy number 3 (three copies instead of two) of chr8:12,787,272-20,952,389 (8.17 Mb, GRCh38 coordinates, 1-based), cytogenetic band 8p23.1-21.3.
Identifiers: ClinVar variation 59768 (VCV000059768.2).

ClinVar aggregate classification (germline): Pathogenic (1 of 4 stars; one submission).

Submission:

ISCA Site 6
Classification: Pathogenic. Last evaluated: 2011-08-12. Review status: criteria provided, single submitter. Criteria: Kaminsky et al. (Genet Med. 2011). Collection method: clinical testing. Allele origin: de novo. Affected: yes. Observed: 1 variant allele.
Comment: Copy number variation identified through the course of routine clinical cytogenomic testing in postnatal populations. Clinical assertions have been curated as described in Kaminsky et al. 2011.